The following is an entry in ClinVar:

ClinVar aggregate classification (germline): Uncertain significance (1 of 4 stars; one submission).

Conditions:
Hereditary cancer-predisposing syndrome. Also called: Tumor predisposition; Hereditary Cancer Syndrome; Neoplastic Syndromes, Hereditary; Hereditary neoplastic syndrome. Identifiers: Orphanet 140162, MedGen C0027672, MeSH D009386, MONDO:0015356.

Submission:

Ambry Genetics
Classification: Uncertain significance for Hereditary cancer-predisposing syndrome. Last evaluated: 2019-08-14. Review status: criteria provided, single submitter. Criteria: Ambry Variant Classification Scheme 2023. Collection method: clinical testing. Allele origin: germline.
Comment: The p.S104I variant (also known as c.311G>T), located in coding exon 3 of the MRE11A gene, results from a G to T substitution at nucleotide position 311. The serine at codon 104 is replaced by isoleucine, an amino acid with dissimilar properties. This amino acid position is highly conserved in available vertebrate species. In addition, the in silico prediction for this alteration is inconclusive. Since supporting evidence is limited at this time, the clinical significance of this alteration remains unclear.

NM_005591.4(MRE11):c.311G>T (p.Ser104Ile)

Gene: MRE11 (MRE11 double strand break repair nuclease; minus strand). Cytogenetic location: 11q21.
Variant type: single nucleotide variant.
Coding change: c.311G>T on transcript NM_005591.4 (MANE Select); coding-DNA position 311, G replaced by T.
Protein change: p.Ser104Ile; replaces serine 104 with isoleucine.
Molecular consequence: missense variant.
Genome position (GRCh38, 1-based): chr11:94,485,927, C>A on the plus strand (G>T on the coding strand, the complement: MRE11 is on the minus strand). VCF-style: chr11-94485927-C-A. GRCh37 (hg19) VCF-style: chr11-94219093-C-A.
Other names: c.311G>T, p.Ser104Ile (NM_001330347.2, NM_005590.4); short protein forms S104I.
Identifiers: ClinVar variation 822932 (VCV000822932.4), dbSNP rs587780140, ClinGen allele CA382379349.